The following is an entry in ClinVar:

NM_004655.4(AXIN2):c.137C>G (p.Thr46Ser)

Gene: AXIN2 (axin 2; minus strand). Cytogenetic location: 17q24.1.
Variant type: single nucleotide variant.
Coding change: c.137C>G on transcript NM_004655.4 (MANE Select); coding-DNA position 137, C replaced by G.
Protein change: p.Thr46Ser; replaces threonine 46 with serine.
Molecular consequence: missense variant.
Genome position (GRCh38, 1-based): chr17:65,558,484, G>C on the plus strand (C>G on the coding strand, the complement: AXIN2 is on the minus strand). VCF-style: chr17-65558484-G-C. GRCh37 (hg19) VCF-style: chr17-63554602-G-C.
Other names: c.137C>G, p.Thr46Ser (NM_001363813.1); c.137C>G (NM_004655.3); short protein forms T46S.
Identifiers: ClinVar variation 1002623 (VCV001002623.9), dbSNP rs2044309413, ClinGen allele CA400682067.

ClinVar aggregate classification (germline): Uncertain significance. Review status: criteria provided, multiple submitters, no conflicts (2 of 4 stars). 2 submissions from 2 submitters: Uncertain significance (2). Last evaluated 2026-08-25.

Conditions:
Oligodontia-cancer predisposition syndrome. Also called: TOOTH AGENESIS-COLORECTAL CANCER SYNDROME. Identifiers: Orphanet 300576, MedGen C1837750, MONDO:0012075, OMIM 608615. Disease mechanism: loss of function.
Hereditary cancer-predisposing syndrome. Also called: Tumor predisposition; Hereditary Cancer Syndrome; Hereditary neoplastic syndrome; Neoplastic Syndromes, Hereditary. Identifiers: Orphanet 140162, MedGen C0027672, MeSH D009386, MONDO:0015356.

Submissions (2):

Ambry Genetics
Classification: Uncertain significance for Hereditary cancer-predisposing syndrome. Last evaluated: 2026-08-25. Review status: criteria provided, single submitter. Criteria: Ambry Variant Classification Scheme 2023. Collection method: clinical testing. Allele origin: germline.
Comment: The p.T46S variant (also known as c.137C>G), located in coding exon 1 of the AXIN2 gene, results from a C to G substitution at nucleotide position 137. The threonine at codon 46 is replaced by serine, an amino acid with similar properties. This amino acid position is conserved. In addition, this alteration is predicted to be tolerated by in silico analysis. Based on the available evidence, the clinical significance of this variant remains unclear.

Labcorp Genetics (formerly Invitae), Labcorp
Classification: Uncertain significance for Oligodontia-cancer predisposition syndrome. Last evaluated: 2020-10-28. Review status: criteria provided, single submitter. Criteria: Invitae Variant Classification Sherloc (09022015). Collection method: clinical testing. Allele origin: germline.
Comment: This variant has not been reported in the literature in individuals with AXIN2-related conditions. Algorithms developed to predict the effect of missense changes on protein structure and function (SIFT, PolyPhen-2, Align-GVGD) all suggest that this variant is likely to be tolerated, but these predictions have not been confirmed by published functional studies and their clinical significance is uncertain. Algorithms developed to predict the effect of sequence changes on RNA splicing suggest that this variant may create or strengthen a splice site, but this prediction has not been confirmed by published transcriptional studies. In summary, the available evidence is currently insufficient to determine the role of this variant in disease. Therefore, it has been classified as a Variant of Uncertain Significance. This sequence change replaces threonine with serine at codon 46 of the AXIN2 protein (p.Thr46Ser). The threonine residue is weakly conserved and there is a small physicochemical difference between threonine and serine. This variant is not present in population databases (ExAC no frequency).